The following is an entry in ClinVar:

ClinVar aggregate classification (germline): Pathogenic (1 of 4 stars; one submission).

Conditions:
Hypercholanemia, familial, 2. Also called: NTCP deficiency. Identifiers: MedGen C5543243, MONDO:0031003, OMIM 619256. Disease mechanism: loss of function.

Submission:

First Genomix Gene Laboratory, Genetic Diagnostics Department
Classification: Pathogenic for Hypercholanemia, familial, 2. Last evaluated: 2025-09-19. Review status: criteria provided, single submitter. Criteria: ACMG Guidelines, 2015. Collection method: clinical testing. Allele origin: germline. Inheritance: Autosomal recessive inheritance. Affected: no. Observed: 1 variant allele.

NM_003049.4(SLC10A1):c.374dup (p.Cys125fs)

Gene: SLC10A1 (solute carrier family 10 member 1; minus strand). Cytogenetic location: 14q24.1.
Variant type: Duplication.
Coding change: c.374dup on transcript NM_003049.4 (MANE Select); coding-DNA position 374, one base duplicated (G; older notation c.374dupG).
Protein change: p.Cys125fs; shifts the reading frame from cysteine 125.
Molecular consequence: frameshift variant.
Genome position (GRCh38, 1-based): chr14:69,786,290, C duplicated on the plus strand (G on the coding strand, the reverse complement: SLC10A1 is on the minus strand). VCF-style (leftmost placement, unchanged base first): chr14-69786289-G-GC. GRCh37 (hg19) VCF-style: chr14-70253006-G-GC.
Other names: c.374dupG (NM_003049.4); short protein forms C125fs.
Identifiers: ClinVar variation 4850324 (VCV004850324.1).